The following is an entry in ClinVar:

ClinVar aggregate classification (germline): Pathogenic (1 of 4 stars; one submission).

Conditions:
Bardet-Biedl syndrome (BBS). Identifiers: Orphanet 110, MedGen C0752166, MONDO:0015229.

Allele frequency attached by ClinVar (database versions not stated): ExAC 0.00001; gnomAD exomes 0.00001.
gnomAD v4.1: 3 of 1,614,142 alleles (0.00019%); highest among the groups gnomAD compares: Non-Finnish European, 0.00025%; no homozygotes.

Submission:

Labcorp Genetics (formerly Invitae), Labcorp
Classification: Pathogenic for Bardet-Biedl syndrome. Last evaluated: 2023-01-07. Review status: criteria provided, single submitter. Criteria: Invitae Variant Classification Sherloc (09022015). Collection method: clinical testing. Allele origin: germline.
Comment: This sequence change creates a premature translational stop signal (p.Glu454*) in the WDPCP gene. It is expected to result in an absent or disrupted protein product. Loss-of-function variants in WDPCP are known to be pathogenic (PMID: 20671153, 25427950, 27158779). This variant is present in population databases (rs763507671, gnomAD 0.0009%). This variant has not been reported in the literature in individuals affected with WDPCP-related conditions. For these reasons, this variant has been classified as Pathogenic.

Literature cited by the submitters: PubMed 20671153; PubMed 25427950; PubMed 27158779.

NM_015910.7(WDPCP):c.1360G>T (p.Glu454Ter)

Gene: WDPCP (WD repeat containing planar cell polarity effector; minus strand). Cytogenetic location: 2p15.
Variant type: single nucleotide variant.
Coding change: c.1360G>T on transcript NM_015910.7 (MANE Select); coding-DNA position 1360, G replaced by T.
Protein change: p.Glu454Ter; replaces glutamic acid 454 with a stop codon.
Molecular consequence: nonsense. On other transcripts: non-coding transcript variant (3).
Genome position (GRCh38, 1-based): chr2:63,404,123, C>A on the plus strand (G>T on the coding strand, the complement: WDPCP is on the minus strand). VCF-style: chr2-63404123-C-A. GRCh37 (hg19) VCF-style: chr2-63631258-C-A.
Other names: c.883G>T, p.Glu295Ter (NM_001042692.3); c.1288G>T, p.Glu430Ter (NM_001354044.2); c.1360G>T, p.Glu454Ter (NM_001354045.2); short protein forms E454*, E295*, E430*.
Identifiers: ClinVar variation 2912313 (VCV002912313.3), dbSNP rs763507671, ClinGen allele CA1682249.